The following is an entry in ClinVar:

NM_206937.2(LIG4):c.2612G>A (p.Arg871His)

Gene: LIG4 (DNA ligase 4; minus strand). Cytogenetic location: 13q33.3.
Variant type: single nucleotide variant.
Coding change: c.2612G>A on transcript NM_206937.2 (MANE Select); coding-DNA position 2612, G replaced by A.
Protein change: p.Arg871His; replaces arginine 871 with histidine.
Molecular consequence: missense variant.
Genome position (GRCh38, 1-based): chr13:108,208,657, C>T on the plus strand (G>A on the coding strand, the complement: LIG4 is on the minus strand). VCF-style: chr13-108208657-C-T. GRCh37 (hg19) VCF-style: chr13-108861005-C-T.
Other names: c.2612G>A, p.Arg871His (NM_001098268.2, NM_001352598.2, NM_001352599.2 and 6 more transcripts); c.2411G>A, p.Arg804His (NM_001330595.2); c.2648G>A, p.Arg883His (NM_001352604.2); short protein forms R804H, R871H, R883H.
Identifiers: ClinVar variation 2637605 (VCV002637605.3), dbSNP rs183928755, ClinGen allele CA7043461.

ClinVar aggregate classification (germline): Uncertain significance. Review status: criteria provided, multiple submitters, no conflicts (2 of 4 stars). 3 submissions from 3 submitters: Uncertain significance (3). Last evaluated 2026-07-14.

Conditions:
LIG4-related disorder. Also called: LIG4-related condition; LIG4-related disorders. Identifiers: MedGen CN239380.
DNA ligase IV deficiency. Identifiers: Orphanet 99812, MedGen C1847827, MONDO:0011686, OMIM 606593.

Allele frequency attached by ClinVar (database versions not stated): TOPMed 0.00002; ExAC 0.00003; gnomAD exomes 0.00003; gnomAD 0.00005; 1000 Genomes Project 30x 0.00016; 1000 Genomes Project 0.00020.
gnomAD v4.1: 51 of 1,613,998 alleles (0.0032%); highest among the groups gnomAD compares: East Asian, 0.0067%; no homozygotes.

Submissions (3):

PreventionGenetics, part of Exact Sciences
Classification: Uncertain significance for LIG4-related condition. Last evaluated: 2026-07-14. Review status: criteria provided, single submitter. Criteria: ACMG Guidelines, 2015. Collection method: clinical testing. Allele origin: germline.
Comment: The LIG4 c.2612G>A variant is predicted to result in the amino acid substitution p.Arg871His. This variant was reported in the homozygous state in an individual with LIG4 syndrome (Taskiran et al. 2019. PubMed ID: 30617623). This variant is reported in 0.0040% of alleles in individuals of African descent in gnomAD. At this time, the clinical significance of this variant is uncertain due to the absence of conclusive functional and genetic evidence.

Labcorp Genetics (formerly Invitae), Labcorp
Classification: Uncertain significance for DNA ligase IV deficiency. Last evaluated: 2025-03-05. Review status: criteria provided, single submitter. Criteria: Invitae Variant Classification Sherloc (09022015). Collection method: clinical testing. Allele origin: germline.
Comment: This sequence change replaces arginine, which is basic and polar, with histidine, which is basic and polar, at codon 871 of the LIG4 protein (p.Arg871His). This variant is present in population databases (rs183928755, gnomAD 0.003%). This missense change has been observed in individual(s) with clinical features of LIG4-related conditions (PMID: 30617623). ClinVar contains an entry for this variant (Variation ID: 2637605). An algorithm developed to predict the effect of missense changes on protein structure and function outputs the following: PolyPhen-2: "Benign". The histidine amino acid residue is found in multiple mammalian species, which suggests that this missense change does not adversely affect protein function. In summary, the available evidence is currently insufficient to determine the role of this variant in disease. Therefore, it has been classified as a Variant of Uncertain Significance.

Women's Health and Genetics/Laboratory Corporation of America, LabCorp
Classification: Uncertain significance. Last evaluated: 2023-10-05. Review status: criteria provided, single submitter. Criteria: LabCorp Variant Classification Summary - May 2015. Collection method: clinical testing. Allele origin: germline.
Comment: Variant summary: LIG4 c.2612G>A (p.Arg871His) results in a non-conservative amino acid change located in the BRCT domain (IPR001357) of the encoded protein sequence. Three of five in-silico tools predict a damaging effect of the variant on protein function. The variant allele was found at a frequency of 1.6e-05 in 251254 control chromosomes (gnomAD). c.2612G>A has been reported in the literature in a homozygous individual affected with LIG4 Syndrome with a Behcet's disease-like phenotype (Taskiran_2019). These data indicate that the variant may be associated with disease. To our knowledge, no experimental evidence demonstrating an impact on protein function has been reported. The following publication has been ascertained in the context of this evaluation (PMID: 30617623). No submitters have cited clinical-significance assessments for this variant to ClinVar after 2014. Based on the evidence outlined above, the variant was classified as VUS-possibly pathogenic.

Literature cited by the submitters: PubMed 30617623 (cited by Labcorp Genetics (formerly Invitae), Labcorp and Women's Health and Genetics/Laboratory Corporation of America, LabCorp).